The following is an entry in ClinVar:

NC_000011.10:g.6615330del

Gene: TPP1 (tripeptidyl peptidase 1; minus strand). Cytogenetic location: 11p15.4.
Variant type: Deletion.
Genome position: GRCh38 VCF-style: chr11-6615328-TC-T. GRCh37 (hg19) VCF-style: chr11-6636559-TC-T.
Identifiers: ClinVar variation 1416477 (VCV001416477.6), dbSNP rs2134591803, ClinGen allele CA2573147190.

ClinVar aggregate classification (germline): Pathogenic (1 of 4 stars; one submission).

Submission:

Labcorp Genetics (formerly Invitae), Labcorp
Classification: Pathogenic. Last evaluated: 2024-02-24. Review status: criteria provided, single submitter. Criteria: Invitae Variant Classification Sherloc (09022015). Collection method: clinical testing. Allele origin: germline.
Comment: This sequence change creates a premature translational stop signal (p.Glu423Argfs*4) in the TPP1 gene. It is expected to result in an absent or disrupted protein product. Loss-of-function variants in TPP1 are known to be pathogenic (PMID: 10330339). This variant is not present in population databases (gnomAD no frequency). This variant has not been reported in the literature in individuals affected with TPP1-related conditions. ClinVar contains an entry for this variant (Variation ID: 1416477). Algorithms developed to predict the effect of sequence changes on RNA splicing suggest that this variant may disrupt the consensus splice site. For these reasons, this variant has been classified as Pathogenic.

Literature cited by the submitters: PubMed 10330339.